The following is an entry in ClinVar:

ClinVar aggregate classification (germline): Uncertain significance (1 of 4 stars; one submission).

Submission:

CeGaT Center for Human Genetics Tuebingen
Classification: Uncertain significance. Last evaluated: 2025-07-01. Review status: criteria provided, single submitter. Criteria: CeGaT Center For Human Genetics Tuebingen Variant Classification Criteria Version 2. Collection method: clinical testing. Allele origin: germline. Affected: yes. Observed: 1 variant allele.
Comment: KCNQ4: PM2, PP3

NM_004700.4(KCNQ4):c.547G>A (p.Val183Met)

Genes: KCNQ4 (potassium voltage-gated channel subfamily Q member 4; plus strand), LOC129930282 (ATAC-STARR-seq lymphoblastoid active region 855; plus strand). Cytogenetic location: 1p34.2.
Variant type: single nucleotide variant.
Coding change: c.547G>A on transcript NM_004700.4 (MANE Select); coding-DNA position 547, G replaced by A.
Protein change: p.Val183Met; replaces valine 183 with methionine.
Molecular consequence: missense variant.
Genome position (GRCh38, 1-based): chr1:40,818,519, G>A. VCF-style: chr1-40818519-G-A. GRCh37 (hg19) VCF-style: chr1-41284191-G-A.
Other names: c.547G>A, p.Val183Met (NM_172163.3); short protein forms V183M.
Identifiers: ClinVar variation 4084503 (VCV004084503.8).
Genomic context (GRCh38, chr1:40,818,519, plus strand): 5'-TGCGCGGGGTAGGCTGGCTGTGATCTCGCCGCCCCCGCCCCTGCAGACTTCATCGTGTTC[G>A]TGGCCTCGGTGGCCGTCATCGCCGCGGGTACCCAGGGCAACATCTTCGCCACGTCCGCGC-3'
Protein context (NP_004691.2, residues 173-193): PFCVIDFIVF[Val183Met]ASVAVIAAGT